The following is an entry in ClinVar:

ClinVar aggregate classification (germline): Likely pathogenic (1 of 4 stars; one submission).

Submission:

Labcorp Genetics (formerly Invitae), Labcorp
Classification: Likely pathogenic. Last evaluated: 2026-01-29. Review status: criteria provided, single submitter. Criteria: Invitae Variant Classification Sherloc (09022015). Collection method: clinical testing. Allele origin: germline.
Comment: This sequence change affects an acceptor splice site in intron 3 of the HNF4A gene. It is expected to disrupt RNA splicing. Variants that disrupt the donor or acceptor splice site typically lead to a loss of protein function (PMID: 16199547), and loss-of-function variants in HNF4A are known to be pathogenic (PMID: 20164212, 23275527, 23348805, 24097065). This variant is not present in population databases (gnomAD no frequency). This variant has not been reported in the literature in individuals affected with HNF4A-related conditions. Algorithms developed to predict the effect of sequence changes on RNA splicing suggest that this variant may disrupt the consensus splice site. In summary, the currently available evidence indicates that the variant is pathogenic, but additional data are needed to prove that conclusively. Therefore, this variant has been classified as Likely Pathogenic.

Literature cited by the submitters: PubMed 16199547; PubMed 20164212; PubMed 23275527; PubMed 23348805; PubMed 24097065.

NM_175914.5(HNF4A):c.320-2A>T

Gene: HNF4A (hepatocyte nuclear factor 4 alpha; plus strand). Cytogenetic location: 20q13.12.
Variant type: single nucleotide variant.
Coding change: c.320-2A>T on transcript NM_175914.5 (MANE Select); the canonical splice acceptor site of the intron before coding-DNA position 320, A replaced by T.
Molecular consequence: splice acceptor variant.
Genome position (GRCh38, 1-based): chr20:44,413,692, A>T. VCF-style: chr20-44413692-A-T. GRCh37 (hg19) VCF-style: chr20-43042332-A-T.
Other names: c.311-2A>T (NM_001287182.2, NM_001287183.2, NM_001287184.2); c.320-2A>T (NM_001030003.3, NM_001030004.3); c.365-2A>T (NM_001258355.2); c.386-2A>T (NM_178849.3, NM_000457.6, NM_178850.3).
Identifiers: ClinVar variation 4734515 (VCV004734515.1).